The following is an entry in ClinVar:

ClinVar aggregate classification (germline): Likely pathogenic (1 of 4 stars; one submission).

Conditions:
Inborn genetic diseases. Identifiers: MedGen C0950123, MeSH D030342.

Allele frequency attached by ClinVar (database versions not stated): gnomAD exomes below 0.00001.
gnomAD v4.1: 1 of 1,607,452 alleles (0.000062%); highest among the groups gnomAD compares: Non-Finnish European, 0.000085%; no homozygotes.

Submission:

Ambry Genetics
Classification: Likely pathogenic for Inborn genetic diseases. Last evaluated: 2021-06-03. Review status: criteria provided, single submitter. Criteria: Ambry Variant Classification Scheme 2023. Collection method: clinical testing. Allele origin: germline.
Comment: The c.394+1G>A intronic variant results from a G to A substitution one nucleotide after coding exon 3 of the AGA gene. Alterations that disrupt the canonical splice site are expected to cause aberrant splicing, resulting in an abnormal protein or a transcript that is subject to nonsense-mediated mRNA decay. Based on data from the Genome Aggregation Database (gnomAD), the AGA c.394+1G>A alteration was not observed, with coverage at this position. This nucleotide position is highly conserved in available vertebrate species. In silico splice site analysis predicts that this alteration will weaken the native splice donor site. Based on the available evidence, this alteration is classified as likely pathogenic.

NM_000027.4(AGA):c.394+1G>A

Gene: AGA (aspartylglucosaminidase; minus strand). Cytogenetic location: 4q34.3.
Variant type: single nucleotide variant.
Coding change: c.394+1G>A on transcript NM_000027.4 (MANE Select); the canonical splice donor site of the intron after coding-DNA position 394, G replaced by A.
Molecular consequence: splice donor variant.
Genome position (GRCh38, 1-based): chr4:177,439,575, C>T on the plus strand (G>A on the coding strand, the complement: AGA is on the minus strand). VCF-style: chr4-177439575-C-T. GRCh37 (hg19) VCF-style: chr4-178360729-C-T.
Other names: c.394+1G>A (NM_001171988.2).
Identifiers: ClinVar variation 2230781 (VCV002230781.2), dbSNP rs2476870839, ClinGen allele CA358783513.